The following is an entry in ClinVar:

ClinVar aggregate classification (germline): Benign/Likely benign. Review status: criteria provided, multiple submitters, no conflicts (2 of 4 stars). 3 submissions from 3 submitters: Benign (1); Likely benign (2). Last evaluated 2024-12-02.

Conditions:
Hereditary cancer-predisposing syndrome. Also called: Hereditary Cancer Syndrome; Tumor predisposition; Neoplastic Syndromes, Hereditary; Hereditary neoplastic syndrome. Identifiers: Orphanet 140162, MedGen C0027672, MeSH D009386, MONDO:0015356.
Familial cancer of breast. Also called: BREAST CANCER, FAMILIAL; Hereditary breast cancer; hereditary breast carcinoma. Identifiers: Orphanet 227535, MedGen C0346153, MONDO:0016419, OMIM 114480. Disease mechanism: loss of function.
ATM-related cancer predisposition. Also called: ATM-related cancer susceptibility. Identifiers: MedGen CN377759, MONDO:0700270.

Submissions (3):

Department of Pathology and Laboratory Medicine, Sinai Health System
Classification: Likely benign for ATM-related cancer predisposition. Last evaluated: 2024-12-02. Review status: criteria provided, single submitter. Criteria: ACMG Guidelines, 2015. Collection method: clinical testing. Allele origin: germline.

Myriad Genetics, Inc.
Classification: Likely benign for Familial cancer of breast. Last evaluated: 2024-05-10. Review status: criteria provided, single submitter. Criteria: Myriad Autosomal Dominant, Autosomal Recessive and X-Linked Classification Criteria (2023). Collection method: clinical testing. Allele origin: unknown.
Comment: This variant is considered likely benign. This variant is intronic and is not expected to impact mRNA splicing.

Color Diagnostics, LLC DBA Color Health
Classification: Benign for Hereditary cancer-predisposing syndrome. Last evaluated: 2016-06-30. Review status: criteria provided, single submitter. Criteria: ACMG Guidelines, 2015. Collection method: clinical testing. Allele origin: germline.

NM_000051.4(ATM):c.2922-10_2922-8del

Gene: ATM (ATM serine/threonine kinase; plus strand). Cytogenetic location: 11q22.3.
Variant type: Deletion.
Coding change: c.2922-10_2922-8del on transcript NM_000051.4 (MANE Select); 10 bases into the intron before coding-DNA position 2922 through 8 bases into the intron before coding-DNA position 2922, 3 bases deleted (TTT; older notation c.2922-10_2922-8delTTT).
Molecular consequence: intron variant.
Genome position (GRCh38, 1-based): chr11:108,271,241-108,271,243, TTT deleted; deleting any 3 consecutive bases within chr11:108,271,229-108,271,243 gives the same sequence; the c. name uses the placement nearest the transcript's 3' end. VCF-style (leftmost placement, unchanged base first): chr11-108271228-CTTT-C. GRCh37 (hg19) VCF-style: chr11-108141955-CTTT-C.
Other names: c.2922-22_2922-20delTTT (NM_000051.3); c.2922-10_2922-8del (NM_001351834.2).
Identifiers: ClinVar variation 490502 (VCV000490502.5), dbSNP rs373881770, ClinGen allele CA6265151.